The following is an entry in ClinVar:

NM_006745.5(MSMO1):c.801G>A (p.Trp267Ter)

Gene: MSMO1 (methylsterol monooxygenase 1; plus strand). Cytogenetic location: 4q32.3.
Variant type: single nucleotide variant.
Coding change: c.801G>A on transcript NM_006745.5 (MANE Select); coding-DNA position 801, G replaced by A.
Protein change: p.Trp267Ter; replaces tryptophan 267 with a stop codon.
Molecular consequence: nonsense.
Genome position (GRCh38, 1-based): chr4:165,341,865, G>A. VCF-style: chr4-165341865-G-A. GRCh37 (hg19) VCF-style: chr4-166263017-G-A.
Other names: c.408G>A, p.Trp136Ter (NM_001017369.3); c.801G>A, p.Trp267Ter (NM_001440534.1); short protein forms W136*, W267*.
Identifiers: ClinVar variation 4759463 (VCV004759463.1).

ClinVar aggregate classification (germline): Uncertain significance (1 of 4 stars; one submission).

Conditions:
Microcephaly-congenital cataract-psoriasiform dermatitis syndrome. Also called: SC4MOL DEFICIENCY; Microcephaly, congenital cataract, and psoriasiform dermatitis. Identifiers: Orphanet 488168, MedGen C5567510, MONDO:0014793, OMIM 616834.

gnomAD v4.1: 2 of 1,613,298 alleles (0.00012%); highest among the groups gnomAD compares: Non-Finnish European, 0.00017%; no homozygotes.

Submission:

Illumina Laboratory Services, Illumina
Classification: Uncertain significance for Microcephaly-congenital cataract-psoriasiform dermatitis syndrome. Last evaluated: 2024-01-08. Review status: criteria provided, single submitter. Criteria: ISL SNV Classification Criteria 03 February 2026. Collection method: clinical testing. Allele origin: unknown.
Comment: The MSMO1 c.801_804delinsATGA p.(Trp267Ter) nonsense variant occurs in the last exon of the gene and may result in a transcript which escapes nonsense-mediated mRNA decay. To our knowledge, protein-truncating variants have not been previously reported in affected individuals described in the peer-reviewed literature (PMID: 37195326). This variant is not observed at a significant frequency in version 2.1.1 or version 4.0.0 of the Genome Aggregation Database. Based on the available evidence, the c.801_804delinsATGA p.(Trp267Ter) variant is classified as a variant of uncertain significance for microcephaly, congenital cataract, and psoriasiform dermatitis.

Literature cited by the submitters: PubMed 37195326.